The following is an entry in ClinVar:

ClinVar aggregate classification (germline): Benign/Likely benign. Review status: criteria provided, multiple submitters, no conflicts (2 of 4 stars). 4 submissions from 4 submitters: Benign (2); Likely benign (1). 1 of the submissions does not count toward it. Last evaluated 2026-01-02.

Conditions:
RELB-related disorder. Also called: RELB-related condition.

Allele frequency attached by ClinVar (database versions not stated): gnomAD exomes 0.00043; ExAC 0.00053; ESP Exome Variant Server 0.00121; gnomAD 0.00154 and 0.00163; TOPMed 0.00168; 1000 Genomes Project 30x 0.00265; 1000 Genomes Project 0.00280.
gnomAD v4.1: 652 of 1,612,426 alleles (0.04%); highest among the groups gnomAD compares: African/African-American, 0.54%; 2 homozygotes.

Submissions (4):

Labcorp Genetics (formerly Invitae), Labcorp
Classification: Benign. Last evaluated: 2026-01-02. Review status: criteria provided, single submitter. Criteria: Invitae Variant Classification Sherloc (09022015). Collection method: clinical testing. Allele origin: germline.

Blueprint Genetics
Classification: Likely benign. Last evaluated: 2024-09-11. Review status: criteria provided, single submitter. Criteria: ACMG Guidelines, 2015. Collection method: clinical testing. Allele origin: germline.

Breakthrough Genomics
Classification: Benign. Review status: criteria provided, single submitter. Criteria: ACMG Guidelines, 2015. Collection method: not provided. Allele origin: germline. Inheritance: Autosomal recessive inheritance. Affected: yes.

PreventionGenetics, part of Exact Sciences
Classification: Benign for RELB-related condition. Last evaluated: 2024-03-12. Review status: no assertion criteria provided. Collection method: clinical testing. Allele origin: germline. Not counted in ClinVar's aggregate classification.
Comment: This variant is classified as benign based on ACMG/AMP sequence variant interpretation guidelines (Richards et al. 2015 PMID: 25741868, with internal and published modifications).

NM_006509.4(RELB):c.1491A>G (p.Thr497=)

Gene: RELB (RELB proto-oncogene, NF-kB subunit; plus strand). Cytogenetic location: 19q13.32.
Variant type: single nucleotide variant.
Coding change: c.1491A>G on transcript NM_006509.4 (MANE Select); coding-DNA position 1491, A replaced by G.
Protein change: p.Thr497=; no amino-acid change (threonine 497 retained).
Molecular consequence: synonymous variant.
Genome position (GRCh38, 1-based): chr19:45,037,541, A>G. VCF-style: chr19-45037541-A-G. GRCh37 (hg19) VCF-style: chr19-45540799-A-G.
Identifiers: ClinVar variation 714790 (VCV000714790.12), dbSNP rs200818596, ClinGen allele CA9507884.